The following is an entry in ClinVar:

ClinVar aggregate classification (germline): Uncertain significance (1 of 4 stars; one submission).

Conditions:
Combined immunodeficiency due to LRBA deficiency. Also called: Common variable immunodeficiency 8, with autoimmunity. Identifiers: Orphanet 445018, MedGen C3553512, MONDO:0013863, OMIM 614700.

Submission:

Foundation for Research in Genetics and Endocrinology, FRIGE's Institute of Human Genetics
Classification: Uncertain significance for Combined immunodeficiency due to LRBA deficiency. Last evaluated: 2026-05-20. Review status: criteria provided, single submitter. Criteria: ACMG Guidelines, 2015. Collection method: clinical testing. Allele origin: germline. Inheritance: Autosomal recessive inheritance. Affected: yes. Observed: 1 variant allele, 1 homozygote.
Comment: A homozygous variant c.4340-3C>G in intron 26 of the LRBA gene was detected. This variant has not been reported in the 1000 genomes and gnomAD databases. The in-silico prediction of the variant is deleterious by SpliceAI. In summary, the variant meets our criteria to be classified as variant of uncertain significance.

NM_001364905.1(LRBA):c.4340-3C>G

Gene: LRBA (LPS responsive beige-like anchor protein; minus strand). Cytogenetic location: 4q31.3.
Variant type: single nucleotide variant.
Coding change: c.4340-3C>G on transcript NM_001364905.1 (MANE Select); 3 bases into the intron before coding-DNA position 4340, C replaced by G.
Molecular consequence: intron variant.
Genome position (GRCh38, 1-based): chr4:150,844,782, G>C on the plus strand (C>G on the coding strand, the complement: LRBA is on the minus strand). VCF-style: chr4-150844782-G-C. GRCh37 (hg19) VCF-style: chr4-151765934-G-C.
Other names: c.4340-3C>G (NM_001367550.1, NM_006726.5, NM_001199282.3 and 2 more transcripts).
Identifiers: ClinVar variation 4879981 (VCV004879981.1).